The following is an entry in ClinVar:

ClinVar aggregate classification (germline): Uncertain significance (1 of 4 stars; one submission).

Conditions:
Pityriasis rubra pilaris (PRP). Also called: Pityriasis rubra pilaris--familial type. Identifiers: Orphanet 2897, MedGen C0032027, MONDO:0100017, OMIM 173200, MONDO:0008251.
Psoriasis 2. Identifiers: MedGen C1864497, MONDO:0011269, OMIM 602723.

Submission:

Labcorp Genetics (formerly Invitae), Labcorp
Classification: Uncertain significance for Pityriasis rubra pilaris; Psoriasis 2. Last evaluated: 2025-11-25. Review status: criteria provided, single submitter. Criteria: Invitae Variant Classification Sherloc (09022015). Collection method: clinical testing. Allele origin: germline.
Comment: This sequence change affects codon 452 of the CARD14 mRNA. It is a 'silent' change, meaning that it does not change the encoded amino acid sequence of the CARD14 protein. This variant also falls at the last nucleotide of exon 9, which is part of the consensus splice site for this exon. This variant is not present in population databases (gnomAD no frequency). This variant has not been reported in the literature in individuals affected with CARD14-related conditions. Variants that disrupt the consensus splice site are a relatively common cause of aberrant splicing (PMID: 17576681, 9536098). Algorithms developed to predict the effect of sequence changes on RNA splicing suggest that this variant may disrupt the consensus splice site. In summary, the available evidence is currently insufficient to determine the role of this variant in disease. Therefore, it has been classified as a Variant of Uncertain Significance.

Literature cited by the submitters: PubMed 17576681; PubMed 9536098.

NM_001366385.1(CARD14):c.1356G>A (p.Glu452=)

Gene: CARD14 (caspase recruitment domain family member 14; plus strand). Cytogenetic location: 17q25.3.
Variant type: single nucleotide variant.
Coding change: c.1356G>A on transcript NM_001366385.1 (MANE Select); coding-DNA position 1356, G replaced by A.
Protein change: p.Glu452=; no amino-acid change (glutamic acid 452 retained).
Molecular consequence: synonymous variant. On other transcripts: non-coding transcript variant (1).
Genome position (GRCh38, 1-based): chr17:80,192,619, G>A. VCF-style: chr17-80192619-G-A. GRCh37 (hg19) VCF-style: chr17-78166418-G-A.
Other names: c.1356G>A, p.Glu452= (NM_001257970.1, NM_024110.4); c.645G>A, p.Glu215= (NM_052819.3).
Identifiers: ClinVar variation 4786755 (VCV004786755.1).
Genomic context (GRCh38, chr17:80,192,619, plus strand): 5'-GCGGATGCATGCCATCTGCCCCAGAGACGACAGCGACTGCAGCCTCGTCAGCTCCACAGA[G>A]GTACGGCCGCTCCTCCCGCCTCCCTCACTGCCTTGACCCTCTGGGCCAGCCCAGGGGCCT-3'
Protein context (NP_001353314.1, residues 442-462): DSDCSLVSST[Glu452=]SQLLSDLSAT